The following is an entry in ClinVar:

ClinVar aggregate classification (germline): Uncertain significance (1 of 4 stars; one submission).

Conditions:
Cardiovascular phenotype. Identifiers: MedGen CN230736.

Allele frequency attached by ClinVar (database versions not stated): gnomAD 0.00001; TOPMed 0.00001.
gnomAD v4.1: 32 of 1,613,076 alleles (0.002%); highest among the groups gnomAD compares: Non-Finnish European, 0.0027%; no homozygotes.

Submission:

Ambry Genetics
Classification: Uncertain significance for Cardiovascular phenotype. Last evaluated: 2019-07-03. Review status: criteria provided, single submitter. Criteria: Ambry Variant Classification Scheme 2023. Collection method: clinical testing. Allele origin: germline.
Comment: The p.G16713R variant (also known as c.50137G>A), located in coding exon 153 of the TTN gene, results from a G to A substitution at nucleotide position 50137. The glycine at codon 16713 is replaced by arginine, an amino acid with dissimilar properties. This amino acid position is highly conserved in available vertebrate species. In addition, the in silico prediction for this alteration is inconclusive. Since supporting evidence is limited at this time, the clinical significance of this alteration remains unclear.

NM_001267550.2(TTN):c.77332G>A (p.Gly25778Arg)

Genes: TTN (titin; minus strand), TTN-AS1 (TTN antisense RNA 1; plus strand). Cytogenetic location: 2q31.2.
Variant type: single nucleotide variant.
Coding change: c.77332G>A on transcript NM_001267550.2 (MANE Select); coding-DNA position 77332, G replaced by A.
Protein change: p.Gly25778Arg; replaces glycine 25778 with arginine.
Molecular consequence: missense variant.
Genome position (GRCh38, 1-based): chr2:178,568,800, C>T on the plus strand (G>A on the coding strand, the complement: TTN is on the minus strand). VCF-style: chr2-178568800-C-T. GRCh37 (hg19) VCF-style: chr2-179433527-C-T.
Other names: c.72409G>A, p.Gly24137Arg (NM_001256850.1); c.50137G>A, p.Gly16713Arg (NM_003319.4); c.69628G>A, p.Gly23210Arg (NM_133378.4); c.50512G>A, p.Gly16838Arg (NM_133432.3); c.50713G>A, p.Gly16905Arg (NM_133437.4); short protein forms G16713R, G25778R, G16838R, G23210R, G16905R, G24137R.
Identifiers: ClinVar variation 1744771 (VCV001744771.2), dbSNP rs1264868756, ClinGen allele CA349611142.
Genomic context (GRCh38, chr2:178,568,800, plus strand): 5'-GCTCAATTACCAGATCTTTGGCAACTATTGGAACTGCAAGGGACCGAGGATCACTTCTCC[C>T]CTTTTCATTTACAGCAACAACTCTAAAAAGATATTCTTCCCCTTGAGTTAGGTTGGTAAT-3'
Protein context (NP_001254479.2, residues 25768-25788): LFRVVAVNEK[Gly25778Arg]RSDPRSLAVP